The following is an entry in ClinVar:

ClinVar aggregate classification (germline): Uncertain significance (1 of 4 stars; one submission).

Conditions:
Progressive sclerosing poliodystrophy (MTDPS4A). Also called: ALPERS PROGRESSIVE INFANTILE POLIODYSTROPHY; NEURONAL DEGENERATION OF CHILDHOOD WITH LIVER DISEASE, PROGRESSIVE; Mitochondrial DNA depletion syndrome 4A (Alpers type); Mitochondrial DNA Depletion Syndrome 4A; Alpers-Huttenlocher Syndrome (AHS); Alpers Syndrome. Identifiers: Orphanet 726, MedGen C0205710, MONDO:0008758, OMIM 203700.

Submission:

Labcorp Genetics (formerly Invitae), Labcorp
Classification: Uncertain significance for Progressive sclerosing poliodystrophy. Last evaluated: 2024-01-29. Review status: criteria provided, single submitter. Criteria: Invitae Variant Classification Sherloc (09022015). Collection method: clinical testing. Allele origin: germline.
Comment: This sequence change replaces alanine, which is neutral and non-polar, with proline, which is neutral and non-polar, at codon 300 of the POLG protein (p.Ala300Pro). This variant is not present in population databases (gnomAD no frequency). This variant has not been reported in the literature in individuals affected with POLG-related conditions. Advanced modeling of protein sequence and biophysical properties (such as structural, functional, and spatial information, amino acid conservation, physicochemical variation, residue mobility, and thermodynamic stability) performed at Invitae indicates that this missense variant is expected to disrupt POLG protein function with a positive predictive value of 95%. In summary, the available evidence is currently insufficient to determine the role of this variant in disease. Therefore, it has been classified as a Variant of Uncertain Significance.

NM_002693.3(POLG):c.898G>C (p.Ala300Pro)

Gene: POLG (DNA polymerase gamma, catalytic subunit; minus strand). Cytogenetic location: 15q26.1.
Variant type: single nucleotide variant.
Coding change: c.898G>C on transcript NM_002693.3 (MANE Select); coding-DNA position 898, G replaced by C.
Protein change: p.Ala300Pro; replaces alanine 300 with proline.
Molecular consequence: missense variant.
Genome position (GRCh38, 1-based): chr15:89,329,068, C>G on the plus strand (G>C on the coding strand, the complement: POLG is on the minus strand). VCF-style: chr15-89329068-C-G. GRCh37 (hg19) VCF-style: chr15-89872299-C-G.
Other names: c.898G>C, p.Ala300Pro (NM_001126131.2); short protein forms A300P.
Identifiers: ClinVar variation 2710547 (VCV002710547.3), dbSNP rs2509262355, ClinGen allele CA393765904.